The following is an entry in ClinVar:

NM_000391.4(TPP1):c.1205A>G (p.Glu402Gly)

Gene: TPP1 (tripeptidyl peptidase 1; minus strand). Cytogenetic location: 11p15.4.
Variant type: single nucleotide variant.
Coding change: c.1205A>G on transcript NM_000391.4 (MANE Select); coding-DNA position 1205, A replaced by G.
Protein change: p.Glu402Gly; replaces glutamic acid 402 with glycine.
Molecular consequence: missense variant.
Genome position (GRCh38, 1-based): chr11:6,615,503, T>C on the plus strand (A>G on the coding strand, the complement: TPP1 is on the minus strand). VCF-style: chr11-6615503-T-C. GRCh37 (hg19) VCF-style: chr11-6636734-T-C.
Other names: short protein forms E402G.
Identifiers: ClinVar variation 523039 (VCV000523039.27), dbSNP rs1471156821, ClinGen allele CA379472987.
Genomic context (GRCh38, chr11:6,615,503, plus strand): 5'-TGGTATGAAGGCCGTGGGAACACATTGCTGAAGCCACCACCACTGATATAGTCAACAATT[T>C]CATTTGTGATGAGGAAAGGTTCCTGGAAGGATGTGCCTCCCACTGTGGTGACATAGGGGC-3'
Protein context (NP_000382.3, residues 392-412): SFQEPFLITN[Glu402Gly]IVDYISGGGF

ClinVar aggregate classification (germline): Conflicting classifications of pathogenicity. Review status: criteria provided, conflicting classifications (1 of 4 stars). 3 submissions from 3 submitters: Likely pathogenic (1); Uncertain significance (2). Last evaluated 2023-12-06.

Conditions:
Neuronal ceroid lipofuscinosis 2. Also called: TPP1-Related Neuronal Ceroid-Lipofuscinosis; JANSKY-BIELSCHOWSKY DISEASE NEURONAL CEROID LIPOFUSCINOSIS, LATE INFANTILE. Identifiers: Orphanet 168491, Orphanet 228349, Orphanet 79264, MedGen C1876161, MONDO:0008769, OMIM 204500.

Allele frequency attached by ClinVar (database versions not stated): gnomAD exomes below 0.00001 and 0.00001.
gnomAD v4.1: 2 of 1,614,164 alleles (0.00012%); highest among the groups gnomAD compares: South Asian, 0.0022%; no homozygotes.

Submissions (3):

3billion
Classification: Uncertain significance for Neuronal ceroid lipofuscinosis 2. Last evaluated: 2023-12-06. Review status: criteria provided, single submitter. Criteria: ACMG Guidelines, 2015. Collection method: clinical testing. Allele origin: germline. Affected: yes.
Comment: The variant is observed at an extremely low frequency in the gnomAD v2.1.1 dataset (total allele frequency: <0.001%). Predicted Consequence/Location: Missense variant In silico tool predictions suggest damaging effect of the variant on gene or gene product [REVEL: 0.90 (>=0.6, sensitivity 0.68 and specificity 0.92)]. Same nucleotide change resulting in same amino acid change has been previously reported to be associated with TPP1 related disorder (ClinVar ID: VCV000523039). However, the evidence of pathogenicity is insufficient at this time. Therefore, this variant is classified as VUS according to the recommendation of ACMG/AMP guideline.

CeGaT Center for Human Genetics Tuebingen
Classification: Uncertain significance. Last evaluated: 2023-12-01. Review status: criteria provided, single submitter. Criteria: CeGaT Center For Human Genetics Tuebingen Variant Classification Criteria Version 2. Collection method: clinical testing. Allele origin: germline. Affected: yes. Observed: 1 variant allele.
Comment: TPP1: PM2

Genomic Research Center, Shahid Beheshti University of Medical Sciences
Classification: Likely pathogenic for Ceroid lipofuscinosis neuronal 2. Last evaluated: 2020-05-03. Review status: criteria provided, single submitter. Criteria: ACMG Guidelines, 2015. Collection method: clinical testing. Allele origin: unknown. Affected: yes.